The following is an entry in ClinVar:

ClinVar aggregate classification (germline): Uncertain significance (1 of 4 stars; one submission).

Conditions:
Polyglucosan body myopathy type 1 (PGBM1). Also called: POLYGLUCOSAN BODY MYOPATHY WITHOUT IMMUNODEFICIENCY; Polyglucosan body myopathy 1 with or without immunodeficiency. Identifiers: Orphanet 329173, Orphanet 397937, MedGen C4014605, MONDO:0014389, OMIM 615895.

Submission:

Labcorp Genetics (formerly Invitae), Labcorp
Classification: Uncertain significance for Polyglucosan body myopathy type 1. Last evaluated: 2022-06-27. Review status: criteria provided, single submitter. Criteria: Invitae Variant Classification Sherloc (09022015). Collection method: clinical testing. Allele origin: germline.
Comment: In summary, the available evidence is currently insufficient to determine the role of this variant in disease. Therefore, it has been classified as a Variant of Uncertain Significance. Algorithms developed to predict the effect of sequence changes on RNA splicing suggest that this variant may disrupt the consensus splice site. Algorithms developed to predict the effect of missense changes on protein structure and function are either unavailable or do not agree on the potential impact of this missense change (SIFT: "Not Available"; PolyPhen-2: "Possibly Damaging"; Align-GVGD: "Not Available"). ClinVar contains an entry for this variant (Variation ID: 1024923). This variant has not been reported in the literature in individuals affected with RBCK1-related conditions. This variant is not present in population databases (gnomAD no frequency). This sequence change replaces arginine, which is basic and polar, with histidine, which is basic and polar, at codon 298 of the RBCK1 protein (p.Arg298His).

NM_031229.4(RBCK1):c.893G>A (p.Arg298His)

Gene: RBCK1 (RANBP2-type and C3HC4-type zinc finger containing 1; plus strand). Cytogenetic location: 20p13.
Variant type: single nucleotide variant.
Coding change: c.893G>A on transcript NM_031229.4 (MANE Select); coding-DNA position 893, G replaced by A.
Protein change: p.Arg298His; replaces arginine 298 with histidine.
Molecular consequence: missense variant. On other transcripts: intron variant (2).
Genome position (GRCh38, 1-based): chr20:421,007, G>A. VCF-style: chr20-421007-G-A. GRCh37 (hg19) VCF-style: chr20-401651-G-A.
Other names: c.767G>A, p.Arg256His (NM_006462.6); c.408-1120G>A (NM_001323956.2, NM_001323958.2); short protein forms R256H, R298H.
Identifiers: ClinVar variation 1024923 (VCV001024923.8), dbSNP rs2016395491, ClinGen allele CA407928652.